The following is an entry in ClinVar:

NM_001001557.4(GDF6):c.638A>C (p.Glu213Ala)

Gene: GDF6 (growth differentiation factor 6; minus strand). Cytogenetic location: 8q22.1.
Variant type: single nucleotide variant.
Coding change: c.638A>C on transcript NM_001001557.4 (MANE Select); coding-DNA position 638, A replaced by C.
Protein change: p.Glu213Ala; replaces glutamic acid 213 with alanine.
Molecular consequence: missense variant.
Genome position (GRCh38, 1-based): chr8:96,145,293, T>G on the plus strand (A>C on the coding strand, the complement: GDF6 is on the minus strand). VCF-style: chr8-96145293-T-G. GRCh37 (hg19) VCF-style: chr8-97157521-T-G.
Other names: short protein forms E213A.
Identifiers: ClinVar variation 2505022 (VCV002505022.1), dbSNP rs2487830848, ClinGen allele CA371752184.

ClinVar aggregate classification (germline): Uncertain significance (1 of 4 stars; one submission).

Submission:

GeneDx
Classification: Uncertain significance. Last evaluated: 2022-12-07. Review status: criteria provided, single submitter. Criteria: GeneDx Variant Classification Process June 2021. Collection method: clinical testing. Allele origin: germline. Affected: yes.
Comment: Not observed at significant frequency in large population cohorts (gnomAD); In silico analysis supports that this missense variant has a deleterious effect on protein structure/function; Has not been previously published as pathogenic or benign to our knowledge